The following is an entry in ClinVar:

ClinVar aggregate classification (germline): Uncertain significance (1 of 4 stars; one submission).

Conditions:
Early-infantile DEE. Also called: Ohtahara syndrome; Early infantile epileptic encephalopathy; Early infantile epileptic encephalopathy with suppression bursts. Identifiers: Orphanet 1934, MedGen C0393706, MONDO:0800491.

Submission:

Labcorp Genetics (formerly Invitae), Labcorp
Classification: Uncertain significance for Early-infantile DEE. Last evaluated: 2022-11-08. Review status: criteria provided, single submitter. Criteria: Invitae Variant Classification Sherloc (09022015). Collection method: clinical testing. Allele origin: germline.
Comment: In summary, the available evidence is currently insufficient to determine the role of this variant in disease. Therefore, it has been classified as a Variant of Uncertain Significance. Advanced modeling of protein sequence and biophysical properties (such as structural, functional, and spatial information, amino acid conservation, physicochemical variation, residue mobility, and thermodynamic stability) has been performed at Invitae for this missense variant, however the output from this modeling did not meet the statistical confidence thresholds required to predict the impact of this variant on SCN1A protein function. ClinVar contains an entry for this variant (Variation ID: 1025494). This variant has not been reported in the literature in individuals affected with SCN1A-related conditions. This variant is not present in population databases (gnomAD no frequency). This sequence change replaces valine, which is neutral and non-polar, with methionine, which is neutral and non-polar, at codon 757 of the SCN1A protein (p.Val757Met).

NM_001165963.4(SCN1A):c.2269G>A (p.Val757Met)

Gene: SCN1A (sodium voltage-gated channel alpha subunit 1; minus strand). Cytogenetic location: 2q24.3.
Variant type: single nucleotide variant.
Coding change: c.2269G>A on transcript NM_001165963.4 (MANE Select); coding-DNA position 2269, G replaced by A.
Protein change: p.Val757Met; replaces valine 757 with methionine.
Molecular consequence: missense variant. On other transcripts: 5 prime UTR variant (1), non-coding transcript variant (1).
Genome position (GRCh38, 1-based): chr2:166,041,377, C>T on the plus strand (G>A on the coding strand, the complement: SCN1A is on the minus strand). VCF-style: chr2-166041377-C-T. GRCh37 (hg19) VCF-style: chr2-166897887-C-T.
Other names: c.2185G>A, p.Val729Met (NM_001165964.3, NM_001353957.2, NM_001353958.2); c.2269G>A, p.Val757Met (NM_001202435.3, NM_001353948.2); c.2236G>A, p.Val746Met (NM_001353949.2, NM_001353950.2, NM_001353951.2 and 2 more transcripts); c.2233G>A, p.Val745Met (NM_001353954.2, NM_001353955.2); c.2182G>A, p.Val728Met (NM_001353960.2); c.-190G>A (NM_001353961.2); short protein forms V728M, V729M, V745M, V746M, V757M.
Identifiers: ClinVar variation 1025494 (VCV001025494.9), dbSNP rs1697152393, ClinGen allele CA349064710.
Genomic context (GRCh38, chr2:166,041,377, plus strand): 5'-AGATGGTGATGGCCAGGTCAACAAATGGGTCCATCACAACCAGGTTGACAACATGTTTCA[C>T]TTTTAACCAATATGGAGAACAGTCCCAGATTAAGAATATGTTGGAAAATTTATACCAACA-3'
Protein context (NP_001159435.1, residues 747-767): IWDCSPYWLK[Val757Met]KHVVNLVVMD